The following is an entry in ClinVar:

ClinVar aggregate classification (germline): Uncertain significance. Review status: criteria provided, multiple submitters, no conflicts (2 of 4 stars). 3 submissions from 3 submitters: Uncertain significance (3). Last evaluated 2025-02-06.

Conditions:
Kabuki syndrome. Also called: NIIKAWA-KUROKI SYNDROME; Kabuki make-up syndrome. Identifiers: Orphanet 2322, MedGen C0796004, MONDO:0016512.
KMT2D-related disorder. Also called: KMT2D-Related Disorders.
Kabuki syndrome 1 (KABUK1). Also called: KMT2D-Related Kabuki Syndrome. Identifiers: Orphanet 2322, MedGen CN030661, MONDO:0007843, OMIM 147920.

Allele frequency attached by ClinVar (database versions not stated): gnomAD exomes 0.00001.
gnomAD v4.1: 3 of 1,613,988 alleles (0.00019%); highest among the groups gnomAD compares: Middle Eastern, 0.033%; no homozygotes.

Submissions (3):

Labcorp Genetics (formerly Invitae), Labcorp
Classification: Uncertain significance for Kabuki syndrome. Last evaluated: 2025-02-06. Review status: criteria provided, single submitter. Criteria: Invitae Variant Classification Sherloc (09022015). Collection method: clinical testing. Allele origin: germline.
Comment: This sequence change replaces serine, which is neutral and polar, with proline, which is neutral and non-polar, at codon 31 of the KMT2D protein (p.Ser31Pro). This variant is not present in population databases (gnomAD no frequency). This variant has not been reported in the literature in individuals affected with KMT2D-related conditions. ClinVar contains an entry for this variant (Variation ID: 1034003). Invitae Evidence Modeling of protein sequence and biophysical properties (such as structural, functional, and spatial information, amino acid conservation, physicochemical variation, residue mobility, and thermodynamic stability) indicates that this missense variant is not expected to disrupt KMT2D protein function with a negative predictive value of 95%. In summary, the available evidence is currently insufficient to determine the role of this variant in disease. Therefore, it has been classified as a Variant of Uncertain Significance.

PreventionGenetics, part of Exact Sciences
Classification: Uncertain significance for KMT2D-related condition. Last evaluated: 2022-12-15. Review status: criteria provided, single submitter. Criteria: ACMG Guidelines, 2015. Collection method: clinical testing. Allele origin: germline.
Comment: The KMT2D c.91T>C variant is predicted to result in the amino acid substitution p.Ser31Pro. To our knowledge, this variant has not been reported in the literature or in a large population database, indicating this variant is rare. At this time, the clinical significance of this variant is uncertain due to the absence of conclusive functional and genetic evidence.

Baylor Genetics
Classification: Uncertain significance for Kabuki syndrome 1. Last evaluated: 2018-01-10. Review status: criteria provided, single submitter. Criteria: ACMG Guidelines, 2015. Collection method: clinical testing. Allele origin: paternal. Affected: yes.
Comment: This variant was determined to be of uncertain significance according to ACMG Guidelines, 2015 [PMID:25741868].

NM_003482.4(KMT2D):c.91T>C (p.Ser31Pro)

Gene: KMT2D (lysine methyltransferase 2D; minus strand). Cytogenetic location: 12q13.12.
Variant type: single nucleotide variant.
Coding change: c.91T>C on transcript NM_003482.4 (MANE Select); coding-DNA position 91, T replaced by C.
Protein change: p.Ser31Pro; replaces serine 31 with proline.
Molecular consequence: missense variant.
Genome position (GRCh38, 1-based): chr12:49,054,985, A>G on the plus strand (T>C on the coding strand, the complement: KMT2D is on the minus strand). VCF-style: chr12-49054985-A-G. GRCh37 (hg19) VCF-style: chr12-49448768-A-G.
Other names: short protein forms S31P.
Identifiers: ClinVar variation 1034003 (VCV001034003.3), dbSNP rs1938321808, ClinGen allele CA384690737.